The following is an entry in ClinVar:

NM_005337.5(NCKAP1L):c.1153C>T (p.Arg385Cys)

Gene: NCKAP1L (NCK associated protein 1 like; plus strand). Cytogenetic location: 12q13.2.
Variant type: single nucleotide variant.
Coding change: c.1153C>T on transcript NM_005337.5 (MANE Select); coding-DNA position 1153, C replaced by T.
Protein change: p.Arg385Cys; replaces arginine 385 with cysteine.
Molecular consequence: missense variant.
Genome position (GRCh38, 1-based): chr12:54,517,590, C>T. VCF-style: chr12-54517590-C-T. GRCh37 (hg19) VCF-style: chr12-54911374-C-T.
Other names: c.1003C>T, p.Arg335Cys (NM_001184976.2); short protein forms R335C, R385C.
Identifiers: ClinVar variation 3608803 (VCV003608803.2).

ClinVar aggregate classification (germline): Uncertain significance (1 of 4 stars; one submission).

gnomAD v4.1: 5 of 1,614,064 alleles (0.00031%); highest among the groups gnomAD compares: South Asian, 0.0011%; no homozygotes.

Submission:

Labcorp Genetics (formerly Invitae), Labcorp
Classification: Uncertain significance. Last evaluated: 2024-05-28. Review status: criteria provided, single submitter. Criteria: Invitae Variant Classification Sherloc (09022015). Collection method: clinical testing. Allele origin: germline.
Comment: This sequence change replaces arginine, which is basic and polar, with cysteine, which is neutral and slightly polar, at codon 385 of the NCKAP1L protein (p.Arg385Cys). This variant is present in population databases (rs755272590, gnomAD 0.003%). This variant has not been reported in the literature in individuals affected with NCKAP1L-related conditions. An algorithm developed to predict the effect of missense changes on protein structure and function (PolyPhen-2) suggests that this variant is likely to be disruptive. In summary, the available evidence is currently insufficient to determine the role of this variant in disease. Therefore, it has been classified as a Variant of Uncertain Significance.